The following is an entry in ClinVar:

ClinVar aggregate classification (germline): Uncertain significance (1 of 4 stars; one submission).

Submission:

Dasa
Classification: Uncertain significance. Last evaluated: 2024-09-17. Review status: criteria provided, single submitter. Criteria: DASA Assertion Criteria. Collection method: clinical testing. Allele origin: germline.
Comment: NM_000702.4(ATP1A2):c.80A>T (p.Glu27Val) is a missense variant that results in the substitution of glutamic acid with valine. This variant is absent from population databases. Computational prediction algorithms are consistent with a benign effect. The currently available literature and clinical evidence are not sufficient to establish a definitive association between this variant and the reported condition. Therefore, this variant is classified as a variant of uncertain significance.

NM_000702.4(ATP1A2):c.80A>T (p.Glu27Val)

Gene: ATP1A2 (ATPase Na+/K+ transporting subunit alpha 2; plus strand). Cytogenetic location: 1q23.2.
Variant type: single nucleotide variant.
Coding change: c.80A>T on transcript NM_000702.4 (MANE Select); coding-DNA position 80, A replaced by T.
Protein change: p.Glu27Val; replaces glutamic acid 27 with valine.
Molecular consequence: missense variant.
Genome position (GRCh38, 1-based): chr1:160,120,973, A>T. VCF-style: chr1-160120973-A-T. GRCh37 (hg19) VCF-style: chr1-160090763-A-T.
Other names: short protein forms E27V.
Identifiers: ClinVar variation 4881591 (VCV004881591.2).